The following is an entry in ClinVar:

ClinVar aggregate classification (germline): Likely benign. Review status: criteria provided, multiple submitters, no conflicts (2 of 4 stars). 2 submissions from 2 submitters: Likely benign (2). Last evaluated 2018-01-13.

Conditions:
Fraser syndrome 3. Identifiers: MedGen C4540040, MONDO:0054739, OMIM 617667.

Allele frequency attached by ClinVar (database versions not stated): gnomAD 0.00382 and 0.00409; 1000 Genomes Project 0.00399; 1000 Genomes Project 30x 0.00406; TOPMed 0.00416.

Submissions (2):

Illumina Laboratory Services, Illumina
Classification: Likely benign for Fraser syndrome 3. Last evaluated: 2018-01-13. Review status: criteria provided, single submitter. Criteria: ICSL Variant Classification Criteria 13 December 2019. Collection method: clinical testing. Allele origin: germline.
Comment: This variant was observed in the ICSL laboratory as part of a predisposition screen in an ostensibly healthy population. It had not been previously curated by ICSL or reported in the Human Gene Mutation Database (HGMD: prior to June 1st, 2018), and was therefore a candidate for classification through an automated scoring system. Utilizing variant allele frequency, disease prevalence and penetrance estimates, and inheritance mode, an automated score was calculated to assess if this variant is too frequent to cause the disease. Based on the score and internal cut-off values, a variant classified as likely benign is not then subjected to further curation. The score for this variant resulted in a classification of likely benign for this disease.

Breakthrough Genomics
Classification: Likely benign. Review status: criteria provided, single submitter. Criteria: ACMG Guidelines, 2015. Collection method: not provided. Allele origin: germline. Inheritance: Autosomal recessive inheritance. Affected: yes.

NM_001366722.1(GRIP1):c.*1314G>A

Gene: GRIP1 (glutamate receptor interacting protein 1; minus strand). Cytogenetic location: 12q14.3.
Variant type: single nucleotide variant.
Coding change: c.*1314G>A on transcript NM_001366722.1 (MANE Select); 1314 bases downstream of the stop codon, G replaced by A.
Molecular consequence: 3 prime UTR variant.
Genome position (GRCh38, 1-based): chr12:66,347,705, C>T on the plus strand (G>A on the coding strand, the complement: GRIP1 is on the minus strand). VCF-style: chr12-66347705-C-T. GRCh37 (hg19) VCF-style: chr12-66741485-C-T.
Other names: c.*1314G>A (NM_001178074.2, NM_001366723.1, NM_001366724.1 and 1 more transcripts).
Identifiers: ClinVar variation 310272 (VCV000310272.6), dbSNP rs144894732, ClinGen allele CA10638415.